The following is an entry in ClinVar:

NM_025114.4(CEP290):c.5337C>G (p.Ile1779Met)

Gene: CEP290 (centrosomal protein 290; minus strand). Cytogenetic location: 12q21.32.
Variant type: single nucleotide variant.
Coding change: c.5337C>G on transcript NM_025114.4 (MANE Select); coding-DNA position 5337, C replaced by G.
Protein change: p.Ile1779Met; replaces isoleucine 1779 with methionine.
Molecular consequence: missense variant.
Genome position (GRCh38, 1-based): chr12:88,079,119, G>C on the plus strand (C>G on the coding strand, the complement: CEP290 is on the minus strand). VCF-style: chr12-88079119-G-C. GRCh37 (hg19) VCF-style: chr12-88472896-G-C.
Other names: short protein forms I1779M.
Identifiers: ClinVar variation 3356788 (VCV003356788.1).

ClinVar aggregate classification (germline): Uncertain significance (0 of 4 stars; one submission).

Conditions:
CEP290-related disorder. Also called: CEP290-related condition; CEP290-related disorders. Identifiers: MedGen CN239314.

gnomAD v4.1: 1 of 1,592,664 alleles (0.000063%); highest among the groups gnomAD compares: Non-Finnish European, 0.000085%; no homozygotes.

Submission:

PreventionGenetics, part of Exact Sciences
Classification: Uncertain significance for CEP290-related condition. Last evaluated: 2024-08-05. Review status: no assertion criteria provided. Collection method: clinical testing. Allele origin: germline.
Comment: The CEP290 c.5337C>G variant is predicted to result in the amino acid substitution p.Ile1779Met. To our knowledge, this variant has not been reported in the literature. This variant is reported in 0.00093% of alleles in individuals of European (Non-Finnish) descent in gnomAD. At this time, the clinical significance of this variant is uncertain due to the absence of conclusive functional and genetic evidence.